The following is an entry in ClinVar:

NM_001913.5(CUX1):c.1573C>G (p.Leu525Val)

Gene: CUX1 (cut like homeobox 1; plus strand). Cytogenetic location: 7q22.1.
Variant type: single nucleotide variant.
Coding change: c.1573C>G on transcript NM_001913.5 (MANE Plus Clinical); coding-DNA position 1573, C replaced by G.
Protein change: p.Leu525Val; replaces leucine 525 with valine.
Molecular consequence: missense variant.
Genome position (GRCh38, 1-based): chr7:102,277,958, C>G. VCF-style: chr7-102277958-C-G. GRCh37 (hg19) VCF-style: chr7-101921229-C-G.
Other names: c.1525C>G, p.Leu509Val (NM_001202544.3); c.1435C>G, p.Leu479Val (NM_001202545.3); c.1456C>G, p.Leu486Val (NM_001202546.3); c.1567C>G, p.Leu523Val (NM_181500.4); short protein forms L479V, L486V, L509V, L523V, L525V.
Identifiers: ClinVar variation 1879696 (VCV001879696.27), dbSNP rs138450169, ClinGen allele CA4411723.

ClinVar aggregate classification (germline): Benign. Review status: criteria provided, single submitter (1 of 4 stars). 2 submissions from 2 submitters: Benign (1). 1 of the submissions does not count toward it. Last evaluated 2026-07-01.

Conditions:
CUX1-related disorder. Also called: CUX1-related condition.

Allele frequency attached by ClinVar (database versions not stated): 1000 Genomes Project 0.00260; TOPMed 0.00448; ESP Exome Variant Server 0.00617; gnomAD 0.00537; 1000 Genomes Project 30x 0.00250.
gnomAD v4.1: 10,591 of 1,537,252 alleles (0.69%); highest among the groups gnomAD compares: Non-Finnish European, 0.77%; 53 homozygotes.

Submissions (2):

CeGaT Center for Human Genetics Tuebingen
Classification: Benign. Last evaluated: 2026-07-01. Review status: criteria provided, single submitter. Criteria: CeGaT Center For Human Genetics Tuebingen Variant Classification Criteria Version 2. Collection method: clinical testing. Allele origin: germline. Affected: yes. Observed: 44 variant alleles.
Comment: CUX1: BP4, BS1, BS2

PreventionGenetics, part of Exact Sciences
Classification: Benign for CUX1-related condition. Last evaluated: 2020-08-10. Review status: no assertion criteria provided. Collection method: clinical testing. Allele origin: germline. Not counted in ClinVar's aggregate classification.
Comment: This variant is classified as benign based on ACMG/AMP sequence variant interpretation guidelines (Richards et al. 2015 PMID: 25741868, with internal and published modifications).